The following is an entry in ClinVar:

NM_001134831.2(AHI1):c.313C>G (p.Gln105Glu)

Gene: AHI1 (Abelson helper integration site 1; minus strand). Cytogenetic location: 6q23.3.
Variant type: single nucleotide variant.
Coding change: c.313C>G on transcript NM_001134831.2 (MANE Select); coding-DNA position 313, C replaced by G.
Protein change: p.Gln105Glu; replaces glutamine 105 with glutamic acid.
Molecular consequence: missense variant.
Genome position (GRCh38, 1-based): chr6:135,466,250, G>C on the plus strand (C>G on the coding strand, the complement: AHI1 is on the minus strand). VCF-style: chr6-135466250-G-C. GRCh37 (hg19) VCF-style: chr6-135787388-G-C.
Other names: c.313C>G, p.Gln105Glu (NM_001134832.2, NM_001350503.2, NM_001350504.2 and 2 more transcripts); short protein forms Q105E.
Identifiers: ClinVar variation 2074259 (VCV002074259.1), dbSNP rs774628957, ClinGen allele CA365752015.
Genomic context (GRCh38, chr6:135,466,250, plus strand): 5'-GCTTTCCTTGTTTGTCTTCCTCTACACTAGCATCACCATTAGGATTTTCAGTTGCTAACT[G>C]TGTGTTCCTCAATTTGTTTTTAGTGACTCTCGTGCTCTTCTTCAGGTTGTTAGTGTTAGC-3'
Protein context (NP_001128303.1, residues 95-115): RVTKNKLRNT[Gln105Glu]LATENPNGDA

ClinVar aggregate classification (germline): Uncertain significance (1 of 4 stars; one submission).

Conditions:
Joubert syndrome. Also called: CEREBELLOPARENCHYMAL DISORDER IV; JOUBERT-BOLTSHAUSER SYNDROME; Familial aplasia of the vermis. Identifiers: Orphanet 475, MedGen C5979921, MONDO:0018772.

Allele frequency attached by ClinVar (database versions not stated): gnomAD 0.00001.
gnomAD v4.1: 1 of 1,613,808 alleles (0.000062%); highest among the groups gnomAD compares: Non-Finnish European, 0.000085%; no homozygotes.

Submission:

Labcorp Genetics (formerly Invitae), Labcorp
Classification: Uncertain significance for Joubert syndrome. Last evaluated: 2022-06-26. Review status: criteria provided, single submitter. Criteria: Invitae Variant Classification Sherloc (09022015). Collection method: clinical testing. Allele origin: germline.
Comment: This sequence change replaces glutamine, which is neutral and polar, with glutamic acid, which is acidic and polar, at codon 105 of the AHI1 protein (p.Gln105Glu). This variant is not present in population databases (gnomAD no frequency). This variant has not been reported in the literature in individuals affected with AHI1-related conditions. Advanced modeling of protein sequence and biophysical properties (such as structural, functional, and spatial information, amino acid conservation, physicochemical variation, residue mobility, and thermodynamic stability) performed at Invitae indicates that this missense variant is not expected to disrupt AHI1 protein function. In summary, the available evidence is currently insufficient to determine the role of this variant in disease. Therefore, it has been classified as a Variant of Uncertain Significance.